The following is an entry in ClinVar:

ClinVar aggregate classification (germline): Uncertain significance. Review status: criteria provided, multiple submitters, no conflicts (2 of 4 stars). 2 submissions from 2 submitters: Uncertain significance (2). Last evaluated 2024-09-27.

Conditions:
Inborn genetic diseases. Identifiers: MedGen C0950123, MeSH D030342.
Neuronal ceroid lipofuscinosis. Also called: Neuronal Ceroid Lipofuscinoses. Identifiers: Orphanet 216, Orphanet 79263, MedGen C0027877, MONDO:0016295. Disease mechanism: loss of function.

Allele frequency attached by ClinVar (database versions not stated): gnomAD 0.00001; TOPMed 0.00002.
gnomAD v4.1: 6 of 1,613,770 alleles (0.00037%); highest among the groups gnomAD compares: African/African-American, 0.0013%; no homozygotes.

Submissions (2):

Labcorp Genetics (formerly Invitae), Labcorp
Classification: Uncertain significance for Neuronal ceroid lipofuscinosis. Last evaluated: 2024-09-27. Review status: criteria provided, single submitter. Criteria: Invitae Variant Classification Sherloc (09022015). Collection method: clinical testing. Allele origin: germline.
Comment: This sequence change replaces arginine, which is basic and polar, with glutamine, which is neutral and polar, at codon 34 of the CTSD protein (p.Arg34Gln). The frequency data for this variant in the population databases is considered unreliable, as metrics indicate poor data quality at this position in the gnomAD database. This variant has not been reported in the literature in individuals affected with CTSD-related conditions. ClinVar contains an entry for this variant (Variation ID: 527751). An algorithm developed to predict the effect of missense changes on protein structure and function outputs the following: PolyPhen-2: "Probably Damaging". The glutamine amino acid residue is found in multiple mammalian species, which suggests that this missense change does not adversely affect protein function. In summary, the available evidence is currently insufficient to determine the role of this variant in disease. Therefore, it has been classified as a Variant of Uncertain Significance.

Ambry Genetics
Classification: Uncertain significance for Inborn genetic diseases. Last evaluated: 2018-04-19. Review status: criteria provided, single submitter. Criteria: Ambry Variant Classification Scheme 2023. Collection method: clinical testing. Allele origin: germline.
Comment: The p.R34Q variant (also known as c.101G>A), located in coding exon 2 of the CTSD gene, results from a G to A substitution at nucleotide position 101. The arginine at codon 34 is replaced by glutamine, an amino acid with highly similar properties. This amino acid position is well conserved in available vertebrate species; however, glutamine is the reference amino acid in other vertebrate species. In addition, this alteration is predicted to be tolerated by in silico analysis. Since supporting evidence is limited at this time, the clinical significance of this alteration remains unclear.

NM_001909.5(CTSD):c.101G>A (p.Arg34Gln)

Genes: PRADX (PRC2 and DDX5 associated lncRNA; plus strand), CTSD (cathepsin D; minus strand). Cytogenetic location: 11p15.5.
Variant type: single nucleotide variant.
Coding change: c.101G>A on transcript NM_001909.5 (MANE Select); coding-DNA position 101, G replaced by A.
Protein change: p.Arg34Gln; replaces arginine 34 with glutamine.
Molecular consequence: missense variant.
Genome position (GRCh38, 1-based): chr11:1,761,436, C>T on the plus strand (G>A on the coding strand, the complement: CTSD is on the minus strand). VCF-style: chr11-1761436-C-T. GRCh37 (hg19) VCF-style: chr11-1782666-C-T.
Other names: short protein forms R34Q.
Identifiers: ClinVar variation 527751 (VCV000527751.9), dbSNP rs1240316419, ClinGen allele CA379099945.